The following is an entry in ClinVar:

NM_144773.4(PROKR2):c.383G>T (p.Cys128Phe)

Gene: PROKR2 (prokineticin receptor 2; minus strand). Cytogenetic location: 20p12.3.
Variant type: single nucleotide variant.
Coding change: c.383G>T on transcript NM_144773.4 (MANE Select); coding-DNA position 383, G replaced by T.
Protein change: p.Cys128Phe; replaces cysteine 128 with phenylalanine.
Molecular consequence: missense variant.
Genome position (GRCh38, 1-based): chr20:5,313,987, C>A on the plus strand (G>T on the coding strand, the complement: PROKR2 is on the minus strand). VCF-style: chr20-5313987-C-A. GRCh37 (hg19) VCF-style: chr20-5294633-C-A.
Other names: short protein forms C128F.
Identifiers: ClinVar variation 3382446 (VCV003382446.2).

ClinVar aggregate classification (germline): Uncertain significance (1 of 4 stars; one submission).

Conditions:
Hypogonadotropic hypogonadism 3 with or without anosmia (HH3). Also called: PROKR2-Related GnRH Deficiency (Kallmann Syndrome 3); HYPOGONADOTROPIC HYPOGONADISM 3 WITH ANOSMIA. Identifiers: Orphanet 478, MedGen C3550478, MONDO:0009482, OMIM 244200.

Submission:

Juno Genomics, Hangzhou Juno Genomics, Inc
Classification: Uncertain significance for Hypogonadotropic hypogonadism 3 with or without anosmia. Review status: criteria provided, single submitter. Criteria: ACMG Guidelines, 2015. Collection method: clinical testing. Allele origin: germline. Affected: yes.
Comment: Absent from controls (or at extremely low frequency if recessive) in Genome Aggregation Database, Exome Sequencing Project, 1000 Genomes Project, or Exome Aggregation Consortium.;Multiple lines of computational evidence support a deleterious effect on the gene or gene product (conservation, evolutionary, splicing impact, etc).;Patient's phenotype or family history is highly specific for a disease with a single genetic etiology.